The following is an entry in ClinVar:

NM_003737.4(DCHS1):c.8648C>T (p.Thr2883Ile)

Gene: DCHS1 (dachsous cadherin-related 1; minus strand). Cytogenetic location: 11p15.4.
Variant type: single nucleotide variant.
Coding change: c.8648C>T on transcript NM_003737.4 (MANE Select); coding-DNA position 8648, C replaced by T.
Protein change: p.Thr2883Ile; replaces threonine 2883 with isoleucine.
Molecular consequence: missense variant.
Genome position (GRCh38, 1-based): chr11:6,623,028, G>A on the plus strand (C>T on the coding strand, the complement: DCHS1 is on the minus strand). VCF-style: chr11-6623028-G-A. GRCh37 (hg19) VCF-style: chr11-6644259-G-A.
Other names: c.8648C>T (NM_003737.2); short protein forms T2883I.
Identifiers: ClinVar variation 2792957 (VCV002792957.4), dbSNP rs1331095452, ClinGen allele CA379480592.

ClinVar aggregate classification (germline): Uncertain significance. Review status: criteria provided, multiple submitters, no conflicts (2 of 4 stars). 2 submissions from 2 submitters: Uncertain significance (2). Last evaluated 2024-08-21.

Conditions:
Inborn genetic diseases. Identifiers: MedGen C0950123, MeSH D030342.

Allele frequency attached by ClinVar (database versions not stated): gnomAD exomes below 0.00001.
gnomAD v4.1: 4 of 1,574,442 alleles (0.00025%); highest among the groups gnomAD compares: African/African-American, 0.0027%; no homozygotes.

Submissions (2):

Ambry Genetics
Classification: Uncertain significance for Inborn genetic diseases. Last evaluated: 2024-08-21. Review status: criteria provided, single submitter. Criteria: Ambry Variant Classification Scheme 2023. Collection method: clinical testing. Allele origin: germline.

Labcorp Genetics (formerly Invitae), Labcorp
Classification: Uncertain significance. Last evaluated: 2023-09-06. Review status: criteria provided, single submitter. Criteria: Invitae Variant Classification Sherloc (09022015). Collection method: clinical testing. Allele origin: germline.
Comment: In summary, the available evidence is currently insufficient to determine the role of this variant in disease. Therefore, it has been classified as a Variant of Uncertain Significance. Advanced modeling of protein sequence and biophysical properties (such as structural, functional, and spatial information, amino acid conservation, physicochemical variation, residue mobility, and thermodynamic stability) performed at Invitae indicates that this missense variant is not expected to disrupt DCHS1 protein function. This variant has not been reported in the literature in individuals affected with DCHS1-related conditions. The frequency data for this variant in the population databases is considered unreliable, as metrics indicate poor data quality at this position in the gnomAD database. This sequence change replaces threonine, which is neutral and polar, with isoleucine, which is neutral and non-polar, at codon 2883 of the DCHS1 protein (p.Thr2883Ile).